The following is an entry in ClinVar:

NM_000264.5(PTCH1):c.947C>A (p.Pro316His)

Gene: PTCH1 (patched 1; minus strand). Cytogenetic location: 9q22.32.
Variant type: single nucleotide variant.
Coding change: c.947C>A on transcript NM_000264.5 (MANE Select); coding-DNA position 947, C replaced by A.
Protein change: p.Pro316His; replaces proline 316 with histidine.
Molecular consequence: missense variant. On other transcripts: non-coding transcript variant (1).
Genome position (GRCh38, 1-based): chr9:95,480,089, G>T on the plus strand (C>A on the coding strand, the complement: PTCH1 is on the minus strand). VCF-style: chr9-95480089-G-T. GRCh37 (hg19) VCF-style: chr9-98242371-G-T.
Other names: c.749C>A, p.Pro250His (NM_001083602.3); c.944C>A, p.Pro315His (NM_001083603.3); c.494C>A, p.Pro165His (NM_001083604.3, NM_001083605.3, NM_001083606.3 and 1 more transcripts); c.947C>A, p.Pro316His (NM_001354918.2); short protein forms P315H, P165H, P250H, P316H.
Identifiers: ClinVar variation 823270 (VCV000823270.6), dbSNP rs143813198, ClinGen allele CA5138794.

ClinVar aggregate classification (germline): Uncertain significance (1 of 4 stars; one submission).

Conditions:
Hereditary cancer-predisposing syndrome. Also called: Tumor predisposition; Hereditary Cancer Syndrome; Neoplastic Syndromes, Hereditary; Hereditary neoplastic syndrome. Identifiers: Orphanet 140162, MedGen C0027672, MeSH D009386, MONDO:0015356.

Allele frequency attached by ClinVar (database versions not stated): TOPMed below 0.00001; ExAC 0.00001; gnomAD 0.00003; ESP Exome Variant Server 0.00008.
gnomAD v4.1: 6 of 1,613,940 alleles (0.00037%); highest among the groups gnomAD compares: Non-Finnish European, 0.00051%; no homozygotes.

Submission:

Ambry Genetics
Classification: Uncertain significance for Hereditary cancer-predisposing syndrome. Last evaluated: 2025-08-10. Review status: criteria provided, single submitter. Criteria: Ambry Variant Classification Scheme 2023. Collection method: clinical testing. Allele origin: germline.
Comment: The p.P316H variant (also known as c.947C>A), located in coding exon 7 of the PTCH1 gene, results from a C to A substitution at nucleotide position 947. The proline at codon 316 is replaced by histidine, an amino acid with similar properties. This amino acid position is highly conserved in available vertebrate species. In addition, this alteration is predicted to be deleterious by in silico analysis. Since supporting evidence is limited at this time, the clinical significance of this alteration remains unclear.